The following is an entry in ClinVar:

ClinVar aggregate classification (germline): Likely benign. Review status: criteria provided, multiple submitters, no conflicts (2 of 4 stars). 3 submissions from 3 submitters: Likely benign (2). 1 of the submissions does not count toward it. Last evaluated 2025-04-09.

Conditions:
Cardiovascular phenotype. Identifiers: MedGen CN230736.
Osteogenesis imperfecta type I (OI1). Also called: OI, TYPE I; OSTEOGENESIS IMPERFECTA TARDA; OSTEOGENESIS IMPERFECTA WITH BLUE SCLERAE; Osteogenesis imperfecta type 1; Lobstein's Disease; Lobstein disease. Identifiers: Orphanet 216796, Orphanet 666, MedGen C0023931, MONDO:0008146, OMIM 166200. Disease mechanism: loss of function.
COL1A1-related disorder. Also called: COL1A1- related disease; COL1A1-related condition.

Allele frequency attached by ClinVar (database versions not stated): gnomAD exomes below 0.00001; TOPMed 0.00001.
gnomAD v4.1: 1 of 1,609,648 alleles (0.000062%); highest among the groups gnomAD compares: Admixed American, 0.0017%; no homozygotes.

Submissions (3):

Labcorp Genetics (formerly Invitae), Labcorp
Classification: Likely benign for Osteogenesis imperfecta type I. Last evaluated: 2025-04-09. Review status: criteria provided, single submitter. Criteria: Invitae Variant Classification Sherloc (09022015). Collection method: clinical testing. Allele origin: germline.

Ambry Genetics
Classification: Likely benign for Cardiovascular phenotype. Last evaluated: 2024-03-11. Review status: criteria provided, single submitter. Criteria: Ambry Variant Classification Scheme 2023. Collection method: clinical testing. Allele origin: germline.

PreventionGenetics, part of Exact Sciences
Classification: Likely benign for COL1A1-related condition. Last evaluated: 2020-07-01. Review status: no assertion criteria provided. Collection method: clinical testing. Allele origin: germline. Not counted in ClinVar's aggregate classification.
Comment: This variant is classified as likely benign based on ACMG/AMP sequence variant interpretation guidelines (Richards et al. 2015 PMID: 25741868, with internal and published modifications).

NM_000088.4(COL1A1):c.2598C>G (p.Gly866=)

Gene: COL1A1 (collagen type I alpha 1 chain; minus strand). Cytogenetic location: 17q21.33.
Variant type: single nucleotide variant.
Coding change: c.2598C>G on transcript NM_000088.4 (MANE Select); coding-DNA position 2598, C replaced by G.
Protein change: p.Gly866=; no amino-acid change (glycine 866 retained).
Molecular consequence: synonymous variant.
Genome position (GRCh38, 1-based): chr17:50,189,874, G>C on the plus strand (C>G on the coding strand, the complement: COL1A1 is on the minus strand). VCF-style: chr17-50189874-G-C. GRCh37 (hg19) VCF-style: chr17-48267235-G-C.
Other names: c.2598C>G (NM_000088.3).
Identifiers: ClinVar variation 1634620 (VCV001634620.11), dbSNP rs1388778878, ClinGen allele CA500992333.